The following is an entry in ClinVar:

ClinVar aggregate classification (germline): Uncertain significance (1 of 4 stars; one submission).

Conditions:
Focal segmental glomerulosclerosis 5 (FSGS5). Identifiers: Orphanet 656, MedGen C2750475, MONDO:0013191, OMIM 613237.
Charcot-Marie-Tooth disease dominant intermediate E. Also called: CHARCOT-MARIE-TOOTH NEUROPATHY WITH FOCAL SEGMENTAL GLOMERULONEPHRITIS. Identifiers: Orphanet 93114, MedGen C4302667, MONDO:0013758, OMIM 614455.

gnomAD v4.1: 6 of 1,611,562 alleles (0.00037%); highest among the groups gnomAD compares: East Asian, 0.0022%; no homozygotes.

Submission:

Labcorp Genetics (formerly Invitae), Labcorp
Classification: Uncertain significance for Charcot-Marie-Tooth disease dominant intermediate E; Focal segmental glomerulosclerosis 5. Last evaluated: 2024-04-25. Review status: criteria provided, single submitter. Criteria: Invitae Variant Classification Sherloc (09022015). Collection method: clinical testing. Allele origin: germline.
Comment: This sequence change affects codon 222 of the INF2 mRNA. It is a 'silent' change, meaning that it does not change the encoded amino acid sequence of the INF2 protein. It affects a nucleotide within the consensus splice site. This variant is present in population databases (rs769345290, gnomAD 0.007%). This variant has not been reported in the literature in individuals affected with INF2-related conditions. Algorithms developed to predict the effect of sequence changes on RNA splicing suggest that this variant is not likely to affect RNA splicing. In summary, the available evidence is currently insufficient to determine the role of this variant in disease. Therefore, it has been classified as a Variant of Uncertain Significance.

NM_022489.4(INF2):c.666C>T (p.Ile222=)

Gene: INF2 (inverted formin 2; plus strand). Cytogenetic location: 14q32.33.
Variant type: single nucleotide variant.
Coding change: c.666C>T on transcript NM_022489.4 (MANE Select); coding-DNA position 666, C replaced by T.
Protein change: p.Ile222=; no amino-acid change (isoleucine 222 retained).
Molecular consequence: synonymous variant. On other transcripts: non-coding transcript variant (1).
Genome position (GRCh38, 1-based): chr14:104,703,453, C>T. VCF-style: chr14-104703453-C-T. GRCh37 (hg19) VCF-style: chr14-105169790-C-T.
Other names: c.666C>T, p.Ile222= (NM_001031714.4, NM_001426862.1, NM_001426863.1 and 6 more transcripts).
Identifiers: ClinVar variation 3763228 (VCV003763228.2).